The following is an entry in ClinVar:

NM_004237.4(TRIP13):c.1274G>A (p.Arg425Lys)

Gene: TRIP13 (thyroid hormone receptor interactor 13; plus strand). Cytogenetic location: 5p15.33.
Variant type: single nucleotide variant.
Coding change: c.1274G>A on transcript NM_004237.4 (MANE Select); coding-DNA position 1274, G replaced by A.
Protein change: p.Arg425Lys; replaces arginine 425 with lysine.
Molecular consequence: missense variant.
Genome position (GRCh38, 1-based): chr5:917,078, G>A. VCF-style: chr5-917078-G-A. GRCh37 (hg19) VCF-style: chr5-917193-G-A.
Other names: short protein forms R425K.
Identifiers: ClinVar variation 4726237 (VCV004726237.1).
Genomic context (GRCh38, chr5:917,078, plus strand): 5'-TCACCATAGAGGGGTTCCTCCAGGCCCTGTCTCTGGCAGTGGACAAGCAGTTTGAAGAGA[G>A]AAAGAAGCTTGCAGCTTACATCTGATCCTGGGCTTCCCCATCTGGTGCTTTTCCCATGGA-3'
Protein context (NP_004228.1, residues 415-432): SLAVDKQFEE[Arg425Lys]KKLAAYI

ClinVar aggregate classification (germline): Uncertain significance (1 of 4 stars; one submission).

Submission:

Labcorp Genetics (formerly Invitae), Labcorp
Classification: Uncertain significance. Last evaluated: 2025-08-29. Review status: criteria provided, single submitter. Criteria: Invitae Variant Classification Sherloc (09022015). Collection method: clinical testing. Allele origin: germline.
Comment: This sequence change replaces arginine, which is basic and polar, with lysine, which is basic and polar, at codon 425 of the TRIP13 protein (p.Arg425Lys). This variant is not present in population databases (gnomAD no frequency). This variant has not been reported in the literature in individuals affected with TRIP13-related conditions. An algorithm developed to predict the effect of missense changes on protein structure and function outputs the following: PolyPhen-2: "Benign". The lysine amino acid residue is found in multiple mammalian species, which suggests that this missense change does not adversely affect protein function. In summary, the available evidence is currently insufficient to determine the role of this variant in disease. Therefore, it has been classified as a Variant of Uncertain Significance.